The following is an entry in ClinVar:

ClinVar aggregate classification (germline): Benign/Likely benign. Review status: criteria provided, multiple submitters, no conflicts (2 of 4 stars). 17 submissions from 17 submitters: Benign (8); Likely benign (6). 3 of the submissions do not count toward it. Last evaluated 2026-06-01.

Conditions:
Connective tissue disorder. Also called: Connective tissue disease. Identifiers: MedGen C0009782, MONDO:0003900.
Ehlers-Danlos syndrome, classic type, 1 (EDSCL1). Also called: Ehlers-Danlos syndrome, type 1; Ehlers-Danlos Syndrome, Classic Type, COL5A1-Related; EDS I; EHLERS-DANLOS SYNDROME, GRAVIS TYPE; EHLERS-DANLOS SYNDROME, SEVERE CLASSIC TYPE. Identifiers: MedGen C0268335, MONDO:0019567, OMIM 130000.
Ehlers-Danlos syndrome, classic type, 2 (EDSCL2). Also called: Ehlers-Danlos syndrome, type 2; Ehlers-Danlos syndrome type 2 (formerly); Ehlers-Danlos Syndrome, Classic Type, COL5A2-Related. Identifiers: Orphanet 287, Orphanet 90318, MedGen C0268336, MONDO:0019568, OMIM 130010.
Ehlers-Danlos syndrome (EDS). Identifiers: Orphanet 98249, MedGen C0013720, MONDO:0020066.
Familial thoracic aortic aneurysm and aortic dissection (TAAD). Also called: Thoracic aortic aneurysms and dissections. Identifiers: Orphanet 91387, MedGen C4707243, MONDO:0019625.

Allele frequency attached by ClinVar (database versions not stated): 1000 Genomes Project 0.00180; TOPMed 0.00205; gnomAD exomes 0.00232 and 0.00245; 1000 Genomes Project 30x 0.00234; ExAC 0.00246; ESP Exome Variant Server 0.00254.
gnomAD v4.1: 3,738 of 1,612,754 alleles (0.23%); highest among the groups gnomAD compares: Middle Eastern, 0.33%; 8 homozygotes.

Submissions (17):

CeGaT Center for Human Genetics Tuebingen
Classification: Likely benign. Last evaluated: 2026-06-01. Review status: criteria provided, single submitter. Criteria: CeGaT Center For Human Genetics Tuebingen Variant Classification Criteria Version 2. Collection method: clinical testing. Allele origin: germline. Affected: yes. Observed: 6 variant alleles.
Comment: COL5A2: BP4, BP7

Molecular Diagnostic Laboratory for Inherited Cardiovascular Disease, Montreal Heart Institute
Classification: Likely benign. Last evaluated: 2026-03-27. Review status: criteria provided, single submitter. Criteria: ACMG Guidelines, 2015. Collection method: clinical testing. Allele origin: germline. Affected: no.
Comment: BS1;BP7

Labcorp Genetics (formerly Invitae), Labcorp
Classification: Benign for Ehlers-Danlos syndrome, classic type, 1. Last evaluated: 2026-02-03. Review status: criteria provided, single submitter. Criteria: Invitae Variant Classification Sherloc (09022015). Collection method: clinical testing. Allele origin: germline.

ARUP Laboratories, Molecular Genetics and Genomics, ARUP Laboratories
Classification: Benign for Ehlers-Danlos syndrome, classic type, 2. Last evaluated: 2025-05-20. Review status: criteria provided, single submitter. Criteria: ARUP Molecular Germline Variant Investigation Process 2024. Collection method: clinical testing. Allele origin: germline.

Blueprint Genetics
Classification: Likely benign. Last evaluated: 2024-11-26. Review status: criteria provided, single submitter. Criteria: ACMG Guidelines, 2015. Collection method: clinical testing. Allele origin: germline.

Mayo Clinic Laboratories, Mayo Clinic
Classification: Benign. Last evaluated: 2024-05-14. Review status: criteria provided, single submitter. Criteria: ACMG Guidelines, 2015. Collection method: clinical testing. Allele origin: germline. Observed: 26 variant alleles.
Comment: BS1, BS2, BP4, BP7

Women's Health and Genetics/Laboratory Corporation of America, LabCorp
Classification: Benign. Last evaluated: 2023-07-29. Review status: criteria provided, single submitter. Criteria: LabCorp Variant Classification Summary - May 2015. Collection method: clinical testing. Allele origin: germline.

Genome Diagnostics Laboratory, The Hospital for Sick Children
Classification: Benign for Ehlers-Danlos syndrome. Last evaluated: 2020-12-04. Review status: criteria provided, single submitter. Criteria: ACMG Guidelines, 2015. Collection method: clinical testing. Allele origin: germline.

Illumina Laboratory Services, Illumina
Classification: Benign for Ehlers-Danlos syndrome, classic type, 2. Last evaluated: 2018-01-12. Review status: criteria provided, single submitter. Criteria: ICSL Variant Classification Criteria 13 December 2019. Collection method: clinical testing. Allele origin: germline.
Comment: This variant was observed in the ICSL laboratory as part of a predisposition screen in an ostensibly healthy population. It had not been previously curated by ICSL or reported in the Human Gene Mutation Database (HGMD: prior to June 1st, 2018), and was therefore a candidate for classification through an automated scoring system. Utilizing variant allele frequency, disease prevalence and penetrance estimates, and inheritance mode, an automated score was calculated to assess if this variant is too frequent to cause the disease. Based on the score and internal cut-off values, a variant classified as benign is not then subjected to further curation. The score for this variant resulted in a classification of benign for this disease.

Center for Human Genetics, Inc
Classification: Likely benign for Connective tissue disorder. Last evaluated: 2016-11-01. Review status: criteria provided, single submitter. Criteria: ACMG Guidelines, 2015. Collection method: clinical testing. Allele origin: germline. Affected: yes.

Eurofins Ntd Llc (ga)
Classification: Benign. Last evaluated: 2016-01-07. Review status: criteria provided, single submitter. Criteria: EGL Classification Definitions 2015. Collection method: clinical testing. Allele origin: germline. Observed: 1 variant allele, 1 heterozygote.

Ambry Genetics
Classification: Likely benign for Familial thoracic aortic aneurysm and aortic dissection. Last evaluated: 2015-09-06. Review status: criteria provided, single submitter. Criteria: Ambry Variant Classification Scheme 2023. Collection method: clinical testing. Allele origin: germline.

GeneDx
Classification: Benign. Last evaluated: 2013-12-30. Review status: criteria provided, single submitter. Criteria: GeneDx Variant Classification (06012015). Collection method: clinical testing. Allele origin: germline. Affected: yes.
Comment: This variant is considered likely benign or benign based on one or more of the following criteria: it is a conservative change, it occurs at a poorly conserved position in the protein, it is predicted to be benign by multiple in silico algorithms, and/or has population frequency not consistent with disease.

PreventionGenetics, part of Exact Sciences
Classification: Likely benign. Review status: criteria provided, single submitter. Criteria: ACMG Guidelines, 2015. Collection method: clinical testing. Allele origin: germline.

Clinical Genetics DNA and cytogenetics Diagnostics Lab, Erasmus MC, Erasmus Medical Center
Classification: Likely benign. Review status: no assertion criteria provided. Collection method: clinical testing. Allele origin: germline. Affected: yes. Study: VKGL Data-share Consensus. Not counted in ClinVar's aggregate classification.

Genome Diagnostics Laboratory, Amsterdam University Medical Center
Classification: Benign. Review status: no assertion criteria provided. Collection method: clinical testing. Allele origin: germline. Affected: yes. Study: VKGL Data-share Consensus. Not counted in ClinVar's aggregate classification.

Genome Diagnostics Laboratory, University Medical Center Utrecht
Classification: Likely benign. Review status: no assertion criteria provided. Collection method: clinical testing. Allele origin: germline. Affected: yes. Study: VKGL Data-share Consensus. Not counted in ClinVar's aggregate classification.

NM_000393.5(COL5A2):c.2562C>T (p.Asp854=)

Gene: COL5A2 (collagen type V alpha 2 chain; minus strand). Cytogenetic location: 2q32.2.
Variant type: single nucleotide variant.
Coding change: c.2562C>T on transcript NM_000393.5 (MANE Select); coding-DNA position 2562, C replaced by T.
Protein change: p.Asp854=; no amino-acid change (aspartic acid 854 retained).
Molecular consequence: synonymous variant.
Genome position (GRCh38, 1-based): chr2:189,053,010, G>A on the plus strand (C>T on the coding strand, the complement: COL5A2 is on the minus strand). VCF-style: chr2-189053010-G-A. GRCh37 (hg19) VCF-style: chr2-189917736-G-A.
Other names: p.D854D:GAC>GAT; p.Asp854=; c.2562C>T (NM_000393.4).
Identifiers: ClinVar variation 136946 (VCV000136946.70), dbSNP rs148430780, ClinGen allele CA302966.